The following is an entry in ClinVar:

ClinVar aggregate classification (germline): Likely benign. Review status: criteria provided, multiple submitters, no conflicts (2 of 4 stars). 2 submissions from 2 submitters: Likely benign (2). Last evaluated 2026-02-03.

Conditions:
Inborn genetic diseases. Identifiers: MedGen C0950123, MeSH D030342.

Submissions (2):

Ambry Genetics
Classification: Likely benign for Inborn genetic diseases. Last evaluated: 2026-02-03. Review status: criteria provided, single submitter. Criteria: Ambry Variant Classification Scheme 2023. Collection method: clinical testing. Allele origin: germline.

CeGaT Center for Human Genetics Tuebingen
Classification: Likely benign. Last evaluated: 2025-08-01. Review status: criteria provided, single submitter. Criteria: CeGaT Center For Human Genetics Tuebingen Variant Classification Criteria Version 2. Collection method: clinical testing. Allele origin: germline. Affected: yes. Observed: 1 variant allele.
Comment: WT1: PM2:Supporting, BP4, BP7

NM_024426.6(WT1):c.1302A>G (p.Glu434=)

Gene: WT1 (WT1 transcription factor; minus strand). Cytogenetic location: 11p13.
Variant type: single nucleotide variant.
Coding change: c.1302A>G on transcript NM_024426.6 (MANE Select); coding-DNA position 1302, A replaced by G.
Protein change: p.Glu434=; no amino-acid change (glutamic acid 434 retained).
Molecular consequence: synonymous variant. On other transcripts: non-coding transcript variant (2), intron variant (1).
Genome position (GRCh38, 1-based): chr11:32,392,718, T>C on the plus strand (A>G on the coding strand, the complement: WT1 is on the minus strand). VCF-style: chr11-32392718-T-C. GRCh37 (hg19) VCF-style: chr11-32414264-T-C.
Other names: c.1251A>G, p.Glu417= (NM_000378.6, NM_001407045.1, NM_001407049.1); c.651A>G, p.Glu217= (NM_001198551.2); c.600A>G, p.Glu200= (NM_001198552.2); c.114A>G, p.Glu38= (NM_001367854.1); c.1296A>G, p.Glu432= (NM_001407044.1); c.1302A>G, p.Glu434= (NM_001407046.1, NM_024424.5); c.1179A>G, p.Glu393= (NM_001407047.1); c.1128A>G, p.Glu376= (NM_001407050.1); and 5 more.
Identifiers: ClinVar variation 4083884 (VCV004083884.8).